The following is an entry in ClinVar:

ClinVar aggregate classification (germline): Uncertain significance. Review status: criteria provided, multiple submitters, no conflicts (2 of 4 stars). 2 submissions from 2 submitters: Uncertain significance (2). Last evaluated 2025-08-20.

Allele frequency attached by ClinVar (database versions not stated): ExAC 0.00007; 1000 Genomes Project 0.00020; 1000 Genomes Project 30x 0.00031.
gnomAD v4.1: 51 of 1,612,280 alleles (0.0032%); highest among the groups gnomAD compares: South Asian, 0.0044%; no homozygotes.

Submissions (2):

Ambry Genetics
Classification: Uncertain significance. Last evaluated: 2025-08-20. Review status: criteria provided, single submitter. Criteria: Ambry Variant Classification Scheme 2023. Collection method: clinical testing. Allele origin: germline.

Labcorp Genetics (formerly Invitae), Labcorp
Classification: Uncertain significance. Last evaluated: 2023-12-02. Review status: criteria provided, single submitter. Criteria: Invitae Variant Classification Sherloc (09022015). Collection method: clinical testing. Allele origin: germline.
Comment: This sequence change replaces valine, which is neutral and non-polar, with isoleucine, which is neutral and non-polar, at codon 214 of the SUCLG2 protein (p.Val214Ile). This variant is present in population databases (rs188443251, gnomAD 0.01%). This variant has not been reported in the literature in individuals affected with SUCLG2-related conditions. ClinVar contains an entry for this variant (Variation ID: 2393598). An algorithm developed to predict the effect of missense changes on protein structure and function (PolyPhen-2) suggests that this variant is likely to be tolerated. In summary, the available evidence is currently insufficient to determine the role of this variant in disease. Therefore, it has been classified as a Variant of Uncertain Significance.

NM_003848.4(SUCLG2):c.640G>A (p.Val214Ile)

Gene: SUCLG2 (succinate-CoA ligase GDP-forming subunit beta; minus strand). Cytogenetic location: 3p14.1.
Variant type: single nucleotide variant.
Coding change: c.640G>A on transcript NM_003848.4 (MANE Select); coding-DNA position 640, G replaced by A.
Protein change: p.Val214Ile; replaces valine 214 with isoleucine.
Molecular consequence: missense variant.
Genome position (GRCh38, 1-based): chr3:67,518,267, C>T on the plus strand (G>A on the coding strand, the complement: SUCLG2 is on the minus strand). VCF-style: chr3-67518267-C-T. GRCh37 (hg19) VCF-style: chr3-67568691-C-T.
Other names: c.640G>A, p.Val214Ile (NM_001177599.2); short protein forms V214I.
Identifiers: ClinVar variation 2393598 (VCV002393598.6), dbSNP rs188443251, ClinGen allele CA2485948.
Genomic context (GRCh38, chr3:67,518,267, plus strand): 5'-GAAACAAGTCAGACACACCATCCCCCAATGGCTTATATACCTGGCTTTTCAAAGGCCCAA[C>T]GAAGCCTAGATTTTCGGCCATCCGCTGAGCTTGGCTGTCCTTTATTCCTTCAAAAATGTC-3'
Protein context (NP_003839.2, residues 204-224): AQRMAENLGF[Val214Ile]GPLKSQAADQ